The following is an entry in ClinVar:

ClinVar aggregate classification (germline): Uncertain significance (1 of 4 stars; one submission).

Conditions:
Familial hemophagocytic lymphohistiocytosis 5. Also called: STXBP2-Related Familial Hemophagocytic Lymphohistiocytosis (STXBP2-fHLH). Identifiers: Orphanet 540, MedGen C2751293, MONDO:0013135, OMIM 613101.

gnomAD v4.1: 2 of 1,241,264 alleles (0.00016%); highest among the groups gnomAD compares: Non-Finnish European, 0.0001%; no homozygotes.

Submission:

Labcorp Genetics (formerly Invitae), Labcorp
Classification: Uncertain significance for Familial hemophagocytic lymphohistiocytosis 5. Last evaluated: 2022-07-11. Review status: criteria provided, single submitter. Criteria: Invitae Variant Classification Sherloc (09022015). Collection method: clinical testing. Allele origin: germline.
Comment: This variant has not been reported in the literature in individuals affected with STXBP2-related conditions. ClinVar contains an entry for this variant (Variation ID: 641714). Algorithms developed to predict the effect of missense changes on protein structure and function are either unavailable or do not agree on the potential impact of this missense change (SIFT: "Tolerated"; PolyPhen-2: "Possibly Damaging"; Align-GVGD: "Class C0"). Algorithms developed to predict the effect of sequence changes on RNA splicing suggest that this variant may create or strengthen a splice site. In summary, the available evidence is currently insufficient to determine the role of this variant in disease. Therefore, it has been classified as a Variant of Uncertain Significance. This variant is not present in population databases (gnomAD no frequency). This sequence change replaces alanine, which is neutral and non-polar, with valine, which is neutral and non-polar, at codon 2 of the STXBP2 protein (p.Ala2Val).

NM_006949.4(STXBP2):c.5C>T (p.Ala2Val)

Gene: STXBP2 (syntaxin binding protein 2; plus strand). Cytogenetic location: 19p13.2.
Variant type: single nucleotide variant.
Coding change: c.5C>T on transcript NM_006949.4 (MANE Select); coding-DNA position 5, C replaced by T.
Protein change: p.Ala2Val; replaces alanine 2 with valine.
Molecular consequence: missense variant. On other transcripts: non-coding transcript variant (1).
Genome position (GRCh38, 1-based): chr19:7,637,154, C>T. VCF-style: chr19-7637154-C-T. GRCh37 (hg19) VCF-style: chr19-7702040-C-T.
Other names: c.5C>T, p.Ala2Val (NM_001127396.3, NM_001272034.2); short protein forms A2V.
Identifiers: ClinVar variation 641714 (VCV000641714.11), dbSNP rs1599386139, ClinGen allele CA403155091.
Genomic context (GRCh38, chr19:7,637,154, plus strand): 5'-GCCACGCCCCCACCTTGGGACACACCCGGAAGCGGCGGCGGCGCCCCTCGGGGAAGATGG[C>T]GCCCTCGGGGCTGAAGGCGGTGGTGGGGGAAAGTGAGTGCCTCTCCGGGGCCGGGCTCTG-3'
Protein context (NP_008880.2, residues 1-12): M[Ala2Val]PSGLKAVVGE